The following is an entry in ClinVar:

NM_005902.4(SMAD3):c.491C>G (p.Thr164Ser)

Gene: SMAD3 (SMAD family member 3; plus strand). Cytogenetic location: 15q22.33.
Variant type: single nucleotide variant.
Coding change: c.491C>G on transcript NM_005902.4 (MANE Select); coding-DNA position 491, C replaced by G.
Protein change: p.Thr164Ser; replaces threonine 164 with serine.
Molecular consequence: missense variant. On other transcripts: intron variant (2).
Genome position (GRCh38, 1-based): chr15:67,165,343, C>G. VCF-style: chr15-67165343-C-G. GRCh37 (hg19) VCF-style: chr15-67457681-C-G.
Other names: c.176C>G, p.Thr59Ser (NM_001145102.2, NM_001407016.1); c.359C>G, p.Thr120Ser (NM_001145103.2); c.491C>G, p.Thr164Ser (NM_001407011.1, NM_001407013.1); c.344C>G, p.Thr115Ser (NM_001407014.1); c.400+255C>G (NM_001407012.1); c.85+255C>G (NM_001407015.1); short protein forms T115S, T59S, T120S, T164S.
Identifiers: ClinVar variation 3709189 (VCV003709189.2).

ClinVar aggregate classification (germline): Uncertain significance (1 of 4 stars; one submission).

Conditions:
Familial thoracic aortic aneurysm and aortic dissection (TAAD). Also called: Thoracic aortic aneurysms and dissections. Identifiers: Orphanet 91387, MedGen C4707243, MONDO:0019625.

gnomAD v4.1: 1 of 1,614,240 alleles (0.000062%); highest among the groups gnomAD compares: Non-Finnish European, 0.000085%; no homozygotes.

Submission:

Labcorp Genetics (formerly Invitae), Labcorp
Classification: Uncertain significance for Familial thoracic aortic aneurysm and aortic dissection. Last evaluated: 2024-11-19. Review status: criteria provided, single submitter. Criteria: Invitae Variant Classification Sherloc (09022015). Collection method: clinical testing. Allele origin: germline.
Comment: This sequence change replaces threonine, which is neutral and polar, with serine, which is neutral and polar, at codon 164 of the SMAD3 protein (p.Thr164Ser). This variant is not present in population databases (gnomAD no frequency). This variant has not been reported in the literature in individuals affected with SMAD3-related conditions. Invitae Evidence Modeling of protein sequence and biophysical properties (such as structural, functional, and spatial information, amino acid conservation, physicochemical variation, residue mobility, and thermodynamic stability) indicates that this missense variant is not expected to disrupt SMAD3 protein function with a negative predictive value of 80%. In summary, the available evidence is currently insufficient to determine the role of this variant in disease. Therefore, it has been classified as a Variant of Uncertain Significance.